The following is an entry in ClinVar:

NM_001005242.3(PKP2):c.1379-1990_1379-1982del

Gene: PKP2 (plakophilin 2; minus strand). Cytogenetic location: 12p11.21.
Variant type: Deletion.
Coding change: c.1379-1990_1379-1982del on transcript NM_001005242.3 (MANE Select); 1990 bases into the intron before coding-DNA position 1379 through 1982 bases into the intron before coding-DNA position 1379, 9 bases deleted (GCCTGACCA; older notation c.1379-1990_1379-1982delGCCTGACCA).
Molecular consequence: intron variant.
Genome position (GRCh38, 1-based): chr12:32,843,187-32,843,195, TGGTCAGGC deleted on the plus strand (GCCTGACCA on the coding strand, the reverse complement: PKP2 is on the minus strand); deleting any 9 consecutive bases within chr12:32,843,187-32,843,200 gives the same sequence; the c. name uses the placement nearest the transcript's 3' end. VCF-style (leftmost placement, unchanged base first): chr12-32843186-TTGGTCAGGC-T. GRCh37 (hg19) VCF-style: chr12-32996120-TTGGTCAGGC-T.
Other names: c.1497_1505del, p.Pro500_Gln502del (NM_001407157.1, NM_004572.4); c.1379-1990_1379-1982del (NM_001407156.1, NM_001407155.1, NM_001407161.1); c.1052-1990_1052-1982del (NM_001407160.1, NM_001407159.1, NM_001407158.1 and 1 more transcripts).
Identifiers: ClinVar variation 3387479 (VCV003387479.1).
Genomic context (GRCh38, chr12:32,843,186, plus strand): 5'-CAGACCACGACACCCGGCTAATTTTTTTGTATTTTGAGTAGAGACAGGGGTCTCACCATG[TTGGTCAGGC>T]TGGTCTCGAACTCCTGACCTCGTGATCCGCCCGCCTTGGCCTCCCAAAGTGCTGGGATTA-3'

ClinVar aggregate classification (germline): Uncertain significance (1 of 4 stars; one submission).

Conditions:
Arrhythmogenic right ventricular cardiomyopathy (ARVD). Also called: Arrhythmogenic right ventricular dysplasia; Cardiomyopathy, ARVC; Arrhythmogenic cardiomyopathy; Arrhythmogenic Right Ventricular Cardiomyopathy (ARVC). Identifiers: Orphanet 247, MedGen C0349788, MeSH D019571, MONDO:0016587. Disease mechanism: loss of function. Inheritance: Various modes of inheritance.

Submission:

All of Us Research Program, National Institutes of Health
Classification: Uncertain significance for Arrhythmogenic right ventricular cardiomyopathy. Last evaluated: 2024-02-22. Review status: criteria provided, single submitter. Criteria: ACMG Guidelines, 2015. Collection method: clinical testing. Allele origin: germline. Inheritance: Autosomal dominant inheritance. Observed: 1 variant allele, 1 heterozygote.
Comment: This variant causes an in-frame deletion of 3 amino acids at exon 6 of the PKP2 protein. To our knowledge, functional studies have not been reported for this variant. This variant has not been reported in individuals affected with PKP2-related disorders in the literature. This variant has not been identified in the general population by the Genome Aggregation Database (gnomAD). The available evidence is insufficient to determine the role of this variant in disease conclusively. Therefore, this variant is classified as a Variant of Uncertain Significance.

This study involves interpretation of variants in research participants for the purpose of population health screening. Participant phenotype was not available at the time of variant classification. Additional details can be found in publication PMID: 35346344, PMCID: PMC8962531